The following is an entry in ClinVar:

ClinVar aggregate classification (germline): Uncertain significance (1 of 4 stars; one submission).

Submission:

Labcorp Genetics (formerly Invitae), Labcorp
Classification: Uncertain significance. Last evaluated: 2024-10-21. Review status: criteria provided, single submitter. Criteria: Invitae Variant Classification Sherloc (09022015). Collection method: clinical testing. Allele origin: germline.
Comment: This sequence change replaces threonine, which is neutral and polar, with serine, which is neutral and polar, at codon 227 of the PLTP protein (p.Thr227Ser). This variant is not present in population databases (gnomAD no frequency). This variant has not been reported in the literature in individuals affected with PLTP-related conditions. ClinVar contains an entry for this variant (Variation ID: 1469132). An algorithm developed to predict the effect of missense changes on protein structure and function outputs the following: PolyPhen-2: "Benign". The serine amino acid residue is found in multiple mammalian species, which suggests that this missense change does not adversely affect protein function. In summary, the available evidence is currently insufficient to determine the role of this variant in disease. Therefore, it has been classified as a Variant of Uncertain Significance.

NM_006227.4(PLTP):c.680C>G (p.Thr227Ser)

Gene: PLTP (phospholipid transfer protein; minus strand). Cytogenetic location: 20q13.12.
Variant type: single nucleotide variant.
Coding change: c.680C>G on transcript NM_006227.4 (MANE Select); coding-DNA position 680, C replaced by G.
Protein change: p.Thr227Ser; replaces threonine 227 with serine.
Molecular consequence: missense variant.
Genome position (GRCh38, 1-based): chr20:45,906,293, G>C on the plus strand (C>G on the coding strand, the complement: PLTP is on the minus strand). VCF-style: chr20-45906293-G-C. GRCh37 (hg19) VCF-style: chr20-44534932-G-C.
Other names: c.395C>G, p.Thr132Ser (NM_001242920.2); c.416C>G, p.Thr139Ser (NM_001242921.1); c.524C>G, p.Thr175Ser (NM_182676.3); short protein forms T132S, T175S, T227S, T139S.
Identifiers: ClinVar variation 1469132 (VCV001469132.6), dbSNP rs2145836768, ClinGen allele CA409195805.
Genomic context (GRCh38, chr20:45,906,293, plus strand): 5'-AAGTCAGAGGTCATACACCAGCCCAAGCAGCTCACCCGGAAGTCCATGTCCAGGTTGCTG[G>C]TGGAAGCCACAGGATCCTTCATGAGGGAATAGTCAATGCCAACAAGCTCGTCCACAGAAC-3'
Protein context (NP_006218.1, residues 217-237): YSLMKDPVAS[Thr227Ser]SNLDMDFRGA